The following is an entry in ClinVar:

ClinVar aggregate classification (germline): Pathogenic (1 of 4 stars; one submission).

Conditions:
Nemaline myopathy 2 (NEM2). Also called: Nemaline myopathy 2, autosomal recessive. Identifiers: MedGen C1850569, MONDO:0009725, OMIM 256030.

Submission:

Myriad Genetics, Inc.
Classification: Pathogenic for Nemaline myopathy 2. Last evaluated: 2023-09-27. Review status: criteria provided, single submitter. Criteria: Myriad Autosomal Dominant, Autosomal Recessive and X-Linked Classification Criteria (2023). Collection method: clinical testing. Allele origin: unknown.
Comment: NM_001271208.1(NEB):c.10988dupG(Q3664Sfs*29) is expected to be pathogenic in the context of NEB-related nemaline myopathy. This variant is predicted to lead to an abnormal or absent protein product due to the creation of a premature termination codon in NEB, a gene where loss-of-function variants are known to be pathogenic. Please note: this variant was assessed in the context of healthy population screening.

NM_001164508.2(NEB):c.10988dup (p.Gln3664fs)

Gene: NEB (nebulin; minus strand). Cytogenetic location: 2q23.3.
Variant type: Duplication.
Coding change: c.10988dup on transcript NM_001164508.2 (MANE Select); coding-DNA position 10988, one base duplicated (G; older notation c.10988dupG).
Protein change: p.Gln3664fs; shifts the reading frame from glutamine 3664.
Molecular consequence: frameshift variant.
Genome position (GRCh38, 1-based): chr2:151,618,363, C duplicated on the plus strand (G on the coding strand, the reverse complement: NEB is on the minus strand). VCF-style (leftmost placement, unchanged base first): chr2-151618362-A-AC. GRCh37 (hg19) VCF-style: chr2-152474876-A-AC.
Other names: c.10988dup, p.Gln3664fs (NM_001164507.2, NM_001271208.2); c.10259dup, p.Gln3421fs (NM_004543.5); short protein forms Q3421fs, Q3664fs.
Identifiers: ClinVar variation 5011869 (VCV005011869.1).